The following is an entry in ClinVar:

ClinVar aggregate classification (germline): Likely pathogenic (1 of 4 stars; one submission).

Conditions:
Intellectual developmental disorder, autosomal dominant 43. Also called: Intellectual disability, autosomal dominant 43. Identifiers: MedGen C4707429, MONDO:0014858, OMIM 616977.

Submission:

Department of Pediatrics, Division of Medical Genetics, Faculty of Medicine Ramathibodi Hospital, Mahidol University
Classification: Likely pathogenic for Intellectual developmental disorder, autosomal dominant 43. Last evaluated: 2026-03-04. Review status: criteria provided, single submitter. Criteria: ACMG Guidelines, 2015. Collection method: research. Allele origin: de novo. Inheritance: Autosomal dominant inheritance. Affected: yes. Observed: 1 variant allele, 1 heterozygote.
Comment: A heterozygous c.3452_3455del variant in the HIVEP2 gene was identified. In silico prediction tools indicate that this variant may affect protein function. This variant has not been reported in population-based cohorts, including the Genome Aggregation Database (gnomAD). This variant classified as Likely-Pathogenic with ACMG score PVS1, PM2

NM_006734.4(HIVEP2):c.3452_3455del (p.Leu1151fs)

Gene: HIVEP2 (HIVEP zinc finger 2; minus strand). Cytogenetic location: 6q24.2.
Variant type: Deletion.
Coding change: c.3452_3455del on transcript NM_006734.4 (MANE Select); coding-DNA positions 3452 to 3455, 4 bases deleted (TGCA; older notation c.3452_3455delTGCA).
Protein change: p.Leu1151fs; shifts the reading frame from leucine 1151.
Molecular consequence: frameshift variant.
Genome position (GRCh38, 1-based): chr6:142,771,284-142,771,287, TGCA deleted on the plus strand (TGCA on the coding strand, the reverse complement: HIVEP2 is on the minus strand). VCF-style (leftmost placement, unchanged base first): chr6-142771283-GTGCA-G. GRCh37 (hg19) VCF-style: chr6-143092420-GTGCA-G.
Other names: c.3452_3455del, p.Leu1151fs (NM_001438449.1, NM_001438450.1, NM_001438451.1); short protein forms L1151fs.
Identifiers: ClinVar variation 4813506 (VCV004813506.1).